The following is an entry in ClinVar:

ClinVar aggregate classification (germline): Likely benign (1 of 4 stars; one submission).

Conditions:
NPHP3-related disorder. Also called: NPHP3-related condition; NPHP3-related disorders. Identifiers: MedGen CN379163.

Submission:

PreventionGenetics, part of Exact Sciences
Classification: Likely benign for NPHP3-related condition. Last evaluated: 2025-08-19. Review status: criteria provided, single submitter. Criteria: ACMG Guidelines, 2015. Collection method: clinical testing. Allele origin: germline.
Comment: This variant is classified as likely benign based on ACMG/AMP sequence variant interpretation guidelines (Richards et al. 2015 PMID: 25741868, with internal and published modifications).

NM_153240.5(NPHP3):c.671-995G>A

Genes: NPHP3 (nephrocystin 3; minus strand), NPHP3-ACAD11 (NPHP3-ACAD11 readthrough (NMD candidate); minus strand). Cytogenetic location: 3q22.1.
Variant type: single nucleotide variant.
Coding change: c.671-995G>A on transcript NM_153240.5 (MANE Select); 995 bases into the intron before coding-DNA position 671, G replaced by A.
Molecular consequence: intron variant.
Genome position (GRCh38, 1-based): chr3:132,717,904, C>T on the plus strand (G>A on the coding strand, the complement: NPHP3 is on the minus strand). VCF-style: chr3-132717904-C-T. GRCh37 (hg19) VCF-style: chr3-132436748-C-T.
Identifiers: ClinVar variation 4984180 (VCV004984180.1).